The following is an entry in ClinVar:

NM_004370.6(COL12A1):c.5562C>A (p.Asp1854Glu)

Gene: COL12A1 (collagen type XII alpha 1 chain; minus strand). Cytogenetic location: 6q13.
Variant type: single nucleotide variant.
Coding change: c.5562C>A on transcript NM_004370.6 (MANE Select); coding-DNA position 5562, C replaced by A.
Protein change: p.Asp1854Glu; replaces aspartic acid 1854 with glutamic acid.
Molecular consequence: missense variant.
Genome position (GRCh38, 1-based): chr6:75,133,960, G>T on the plus strand (C>A on the coding strand, the complement: COL12A1 is on the minus strand). VCF-style: chr6-75133960-G-T. GRCh37 (hg19) VCF-style: chr6-75843676-G-T.
Other names: c.2070C>A, p.Asp690Glu (NM_080645.3); c.5562C>A (NM_004370.5); short protein forms D1854E, D690E.
Identifiers: ClinVar variation 1395117 (VCV001395117.9), dbSNP rs543663005, ClinGen allele CA3893087.

ClinVar aggregate classification (germline): Uncertain significance. Review status: criteria provided, multiple submitters, no conflicts (2 of 4 stars). 2 submissions from 2 submitters: Uncertain significance (2). Last evaluated 2023-03-08.

Conditions:
Ullrich congenital muscular dystrophy 2 (UCMD2). Identifiers: Orphanet 75840, MedGen C4225314, MONDO:0014654, OMIM 616470.
Bethlem myopathy 2 (BTHLM2). Identifiers: Orphanet 536516, Orphanet 610, MedGen C4225313, MONDO:0034022, OMIM 616471.

Allele frequency attached by ClinVar (database versions not stated): gnomAD exomes below 0.00001; ExAC 0.00001; gnomAD 0.00001; 1000 Genomes Project 30x 0.00016; 1000 Genomes Project 0.00020.
gnomAD v4.1: 1 of 1,613,976 alleles (0.000062%); highest among the groups gnomAD compares: South Asian, 0.0011%; no homozygotes.

Submissions (2):

GeneDx
Classification: Uncertain significance. Last evaluated: 2023-03-08. Review status: criteria provided, single submitter. Criteria: GeneDx Variant Classification Process June 2021. Collection method: clinical testing. Allele origin: germline. Affected: yes.
Comment: Not observed at significant frequency in large population cohorts (gnomAD); In silico analysis supports that this missense variant does not alter protein structure/function; Has not been previously published as pathogenic or benign to our knowledge

Labcorp Genetics (formerly Invitae), Labcorp
Classification: Uncertain significance for Bethlem myopathy 2; Ullrich congenital muscular dystrophy 2. Last evaluated: 2022-10-21. Review status: criteria provided, single submitter. Criteria: Invitae Variant Classification Sherloc (09022015). Collection method: clinical testing. Allele origin: germline.
Comment: This sequence change replaces aspartic acid, which is acidic and polar, with glutamic acid, which is acidic and polar, at codon 1854 of the COL12A1 protein (p.Asp1854Glu). This variant is present in population databases (rs543663005, gnomAD 0.003%). This variant has not been reported in the literature in individuals affected with COL12A1-related conditions. ClinVar contains an entry for this variant (Variation ID: 1395117). Advanced modeling of protein sequence and biophysical properties (such as structural, functional, and spatial information, amino acid conservation, physicochemical variation, residue mobility, and thermodynamic stability) performed at Invitae indicates that this missense variant is not expected to disrupt COL12A1 protein function. In summary, the available evidence is currently insufficient to determine the role of this variant in disease. Therefore, it has been classified as a Variant of Uncertain Significance.